The following is an entry in ClinVar:

ClinVar aggregate classification (germline): Pathogenic (1 of 4 stars; one submission).

Conditions:
Neurofibromatosis, type 1 (NF1). Also called: Neurofibromatosis, type I; NEUROFIBROMATOSIS, TYPE I, SOMATIC; Peripheral type neurofibromatosis; VON RECKLINGHAUSEN DISEASE. Identifiers: Orphanet 636, MedGen C0027831, MONDO:0018975, OMIM 162200. Disease mechanism: loss of function.

Submission:

Labcorp Genetics (formerly Invitae), Labcorp
Classification: Pathogenic for Neurofibromatosis, type 1. Last evaluated: 2023-06-16. Review status: criteria provided, single submitter. Criteria: Invitae Variant Classification Sherloc (09022015). Collection method: clinical testing. Allele origin: germline.
Comment: This sequence change creates a premature translational stop signal (p.Tyr1762Metfs*10) in the NF1 gene. It is expected to result in an absent or disrupted protein product. Loss-of-function variants in NF1 are known to be pathogenic (PMID: 10712197, 23913538). For these reasons, this variant has been classified as Pathogenic. This variant has not been reported in the literature in individuals affected with NF1-related conditions. This variant is not present in population databases (gnomAD no frequency).

Literature cited by the submitters: PubMed 10712197; PubMed 23913538.

NM_001042492.3(NF1):c.5347_5350del (p.Tyr1783fs)

Gene: NF1 (neurofibromin 1; plus strand). Cytogenetic location: 17q11.2.
Variant type: Deletion.
Coding change: c.5347_5350del on transcript NM_001042492.3 (MANE Select); coding-DNA positions 5347 to 5350, 4 bases deleted (TATT; older notation c.5347_5350delTATT).
Protein change: p.Tyr1783fs; shifts the reading frame from tyrosine 1783.
Molecular consequence: frameshift variant.
Genome position (GRCh38, 1-based): chr17:31,327,577-31,327,580, TATT deleted; deleting any 4 consecutive bases within chr17:31,327,574-31,327,580 gives the same sequence; the c. name uses the placement nearest the transcript's 3' end. VCF-style (leftmost placement, unchanged base first): chr17-31327573-CATTT-C. GRCh37 (hg19) VCF-style: chr17-29654591-CATTT-C.
Other names: c.5284_5287delTATT, p.Tyr1762Metfs (NM_000267.4); short protein forms Y1762fs, Y1783fs.
Identifiers: ClinVar variation 2910423 (VCV002910423.3), dbSNP rs2508705955, ClinGen allele CA2695225005.